The following is an entry in ClinVar:

ClinVar aggregate classification (germline): Likely benign (0 of 4 stars; one submission).

Conditions:
ZIC3-related disorder. Also called: ZIC3-related condition; ZIC3-Related Disorders.

Allele frequency attached by ClinVar (database versions not stated): gnomAD exomes 0.00001; gnomAD 0.00002; TOPMed 0.00003; ExAC 0.00006.

Submission:

PreventionGenetics, part of Exact Sciences
Classification: Likely benign for ZIC3-related condition. Last evaluated: 2022-11-07. Review status: no assertion criteria provided. Collection method: clinical testing. Allele origin: germline.
Comment: This variant is classified as likely benign based on ACMG/AMP sequence variant interpretation guidelines (Richards et al. 2015 PMID: 25741868, with internal and published modifications).

NM_003413.4(ZIC3):c.1060+9A>G

Gene: ZIC3 (Zic family zinc finger 3; plus strand). Cytogenetic location: Xq26.3.
Variant type: single nucleotide variant.
Coding change: c.1060+9A>G on transcript NM_003413.4 (MANE Select); 9 bases into the intron after coding-DNA position 1060, A replaced by G.
Molecular consequence: intron variant.
Genome position (GRCh38, 1-based): chrX:137,567,760, A>G. VCF-style: chrX-137567760-A-G. GRCh37 (hg19) VCF-style: chrX-136649919-A-G.
Other names: c.1060+9A>G (NM_001330661.1).
Identifiers: ClinVar variation 3053145 (VCV003053145.2), dbSNP rs752354882, ClinGen allele CA10529347.